The following is an entry in ClinVar:

ClinVar aggregate classification (germline): Pathogenic (1 of 4 stars; one submission).

Conditions:
Microcephalic primordial dwarfism due to RTTN deficiency (MSSP). Also called: Microcephaly, short stature, and polymicrogyria with or without seizures; MICROCEPHALY, SHORT STATURE, AND POLYMICROGYRIA. Identifiers: Orphanet 468631, MedGen C3553831, MONDO:0018764, OMIM 614833.

Submission:

Women's Health and Genetics/Laboratory Corporation of America, LabCorp
Classification: Pathogenic for Microcephalic primordial dwarfism due to RTTN deficiency. Last evaluated: 2026-02-20. Review status: criteria provided, single submitter. Criteria: LabCorp Variant Classification Summary - May 2015. Collection method: clinical testing. Allele origin: germline.
Comment: Variant summary: The variant involves the deletion of exons 4-11 in the RTTN gene. A presumed nomenclature of c.(397+1_398-1)_(1476+1_1477-1)del has been designated for the purposes of this classification. This Copy Number Variant (CNV) is expected to alter the reading frame and predicted to result in a truncation or absence of the encoded protein due to nonsense mediated decay (NMD). Loss-of-function variants in this gene are known to be pathogenic. The variant allele was found at a frequency of 4.6e-05 in 21694 control chromosomes. To our knowledge, no occurrence of c.(397+1_398-1)_(1476+1_1477-1)del in individuals affected with RTTN-related conditions and no experimental evidence demonstrating its impact on protein function have been reported. No submitters have cited clinical-significance assessments for this variant to ClinVar. Based on the evidence outlined above, the variant was classified as pathogenic.

NC_000018.9:g.(67836304_67843910)_(67869220_67871321)del

Gene: RTTN (rotatin; minus strand). Cytogenetic location: 18q22.2.
Variant type: Deletion.
Identifiers: ClinVar variation 4848192 (VCV004848192.1).